The following is an entry in ClinVar:

NM_139276.3(STAT3):c.1967G>A (p.Gly656Asp)

Gene: STAT3 (signal transducer and activator of transcription 3; minus strand). Cytogenetic location: 17q21.2.
Variant type: single nucleotide variant.
Coding change: c.1967G>A on transcript NM_139276.3 (MANE Select); coding-DNA position 1967, G replaced by A.
Protein change: p.Gly656Asp; replaces glycine 656 with aspartic acid.
Molecular consequence: missense variant.
Genome position (GRCh38, 1-based): chr17:42,322,416, C>T on the plus strand (G>A on the coding strand, the complement: STAT3 is on the minus strand). VCF-style: chr17-42322416-C-T. GRCh37 (hg19) VCF-style: chr17-40474434-C-T.
Other names: c.1967G>A, p.Gly656Asp (NM_001369512.1, NM_001369513.1, NM_001369514.1 and 9 more transcripts); c.1883G>A, p.Gly628Asp (NM_001384984.1); c.1889G>A, p.Gly630Asp (NM_001384985.1); c.1982G>A, p.Gly661Asp (NM_001384986.1, NM_001384990.1); c.1946G>A, p.Gly649Asp (NM_001384987.1); c.1871G>A, p.Gly624Asp (NM_001384989.1); c.1940G>A, p.Gly647Asp (NM_001384991.1); c.1907G>A, p.Gly636Asp (NM_001384992.1); short protein forms G624D, G628D, G630D, G636D, G647D, G649D, G656D, G661D.
Identifiers: ClinVar variation 3752412 (VCV003752412.2).

ClinVar aggregate classification (germline): Uncertain significance (1 of 4 stars; one submission).

Conditions:
Hyper-IgE recurrent infection syndrome 1, autosomal dominant. Also called: STAT3 Hyper IgE Syndrome; Hyper-IgE recurrent infection syndrome 1; JOB SYNDROME; Job's Syndrome; HYPER-IgE SYNDROME 1, AUTOSOMAL DOMINANT, WITH RECURRENT INFECTIONS. Identifiers: Orphanet 2314, MedGen C2936739, MONDO:0007818, OMIM 147060.
STAT3 gain of function. Identifiers: MedGen C4288261.

Submission:

Labcorp Genetics (formerly Invitae), Labcorp
Classification: Uncertain significance for STAT3 gain of function; Hyper-IgE recurrent infection syndrome 1, autosomal dominant. Last evaluated: 2024-09-02. Review status: criteria provided, single submitter. Criteria: Invitae Variant Classification Sherloc (09022015). Collection method: clinical testing. Allele origin: germline.
Comment: This sequence change replaces glycine, which is neutral and non-polar, with aspartic acid, which is acidic and polar, at codon 656 of the STAT3 protein (p.Gly656Asp). This variant is not present in population databases (gnomAD no frequency). This variant has not been reported in the literature in individuals affected with STAT3-related conditions. Invitae Evidence Modeling of protein sequence and biophysical properties (such as structural, functional, and spatial information, amino acid conservation, physicochemical variation, residue mobility, and thermodynamic stability) indicates that this missense variant is expected to disrupt STAT3 protein function with a positive predictive value of 95%. In summary, the available evidence is currently insufficient to determine the role of this variant in disease. Therefore, it has been classified as a Variant of Uncertain Significance.